The following is an entry in ClinVar:

NM_152309.3(PIK3AP1):c.506T>C (p.Leu169Pro)

Gene: PIK3AP1 (phosphoinositide-3-kinase adaptor protein 1; minus strand). Cytogenetic location: 10q24.1.
Variant type: single nucleotide variant.
Coding change: c.506T>C on transcript NM_152309.3 (MANE Select); coding-DNA position 506, T replaced by C.
Protein change: p.Leu169Pro; replaces leucine 169 with proline.
Molecular consequence: missense variant.
Genome position (GRCh38, 1-based): chr10:96,656,859, A>G on the plus strand (T>C on the coding strand, the complement: PIK3AP1 is on the minus strand). VCF-style: chr10-96656859-A-G. GRCh37 (hg19) VCF-style: chr10-98416616-A-G.
Other names: short protein forms L169P.
Identifiers: ClinVar variation 3668971 (VCV003668971.2).

ClinVar aggregate classification (germline): Uncertain significance (1 of 4 stars; one submission).

Conditions:
Infantile spasms. Also called: Infantile spasm. Identifiers: MedGen C3887898, HP:0012469.

gnomAD v4.1: 3 of 1,614,044 alleles (0.00019%); highest among the groups gnomAD compares: Non-Finnish European, 0.00025%; no homozygotes.

Submission:

Labcorp Genetics (formerly Invitae), Labcorp
Classification: Uncertain significance for Infantile spasms. Last evaluated: 2024-04-09. Review status: criteria provided, single submitter. Criteria: Invitae Variant Classification Sherloc (09022015). Collection method: clinical testing. Allele origin: germline.
Comment: This sequence change replaces leucine, which is neutral and non-polar, with proline, which is neutral and non-polar, at codon 169 of the PIK3AP1 protein (p.Leu169Pro). This variant is present in population databases (no rsID available, gnomAD no frequency). This variant has not been reported in the literature in individuals affected with PIK3AP1-related conditions. An algorithm developed to predict the effect of missense changes on protein structure and function (PolyPhen-2) suggests that this variant is likely to be tolerated. In summary, the available evidence is currently insufficient to determine the role of this variant in disease. Therefore, it has been classified as a Variant of Uncertain Significance.